The following is an entry in ClinVar:

ClinVar aggregate classification (germline): Uncertain significance (1 of 4 stars; one submission).

Conditions:
Hereditary spastic paraplegia. Also called: Familial spastic paraparesis. Identifiers: Orphanet 685, MedGen C0037773, MONDO:0019064. Disease mechanism: loss of function.

gnomAD v4.1: 146 of 1,604,428 alleles (0.0091%); highest among the groups gnomAD compares: African/African-American, 0.011%; no homozygotes.

Submission:

Labcorp Genetics (formerly Invitae), Labcorp
Classification: Uncertain significance for Hereditary spastic paraplegia. Last evaluated: 2024-10-07. Review status: criteria provided, single submitter. Criteria: Invitae Variant Classification Sherloc (09022015). Collection method: clinical testing. Allele origin: germline.
Comment: This sequence change replaces isoleucine, which is neutral and non-polar, with valine, which is neutral and non-polar, at codon 330 of the USP8 protein (p.Ile330Val). This variant is present in population databases (rs373961591, gnomAD 0.02%). This variant has not been reported in the literature in individuals affected with USP8-related conditions. An algorithm developed to predict the effect of missense changes on protein structure and function outputs the following: PolyPhen-2: "Benign". The valine amino acid residue is found in multiple mammalian species, which suggests that this missense change does not adversely affect protein function. In summary, the available evidence is currently insufficient to determine the role of this variant in disease. Therefore, it has been classified as a Variant of Uncertain Significance.

NM_005154.5(USP8):c.988A>G (p.Ile330Val)

Gene: USP8 (ubiquitin specific peptidase 8; plus strand). Cytogenetic location: 15q21.2.
Variant type: single nucleotide variant.
Coding change: c.988A>G on transcript NM_005154.5 (MANE Select); coding-DNA position 988, A replaced by G.
Protein change: p.Ile330Val; replaces isoleucine 330 with valine.
Molecular consequence: missense variant.
Genome position (GRCh38, 1-based): chr15:50,476,987, A>G. VCF-style: chr15-50476987-A-G. GRCh37 (hg19) VCF-style: chr15-50769184-A-G.
Other names: c.988A>G, p.Ile330Val (NM_001128610.3); c.757A>G, p.Ile253Val (NM_001283049.2); short protein forms I253V, I330V.
Identifiers: ClinVar variation 3625913 (VCV003625913.2).